The following is an entry in ClinVar:

NM_000890.5(KCNJ5):c.1151C>G (p.Pro384Arg)

Gene: KCNJ5 (potassium inwardly rectifying channel subfamily J member 5; plus strand). Cytogenetic location: 11q24.3.
Variant type: single nucleotide variant.
Coding change: c.1151C>G on transcript NM_000890.5 (MANE Select); coding-DNA position 1151, C replaced by G.
Protein change: p.Pro384Arg; replaces proline 384 with arginine.
Molecular consequence: missense variant.
Genome position (GRCh38, 1-based): chr11:128,916,622, C>G. VCF-style: chr11-128916622-C-G. GRCh37 (hg19) VCF-style: chr11-128786517-C-G.
Other names: c.1151C>G, p.Pro384Arg (NM_001354169.2); short protein forms P384R.
Identifiers: ClinVar variation 869438 (VCV000869438.14), dbSNP rs148307402, ClinGen allele CA6358006.

ClinVar aggregate classification (germline): Conflicting classifications of pathogenicity. Review status: criteria provided, conflicting classifications (1 of 4 stars). 4 submissions from 4 submitters: Uncertain significance (3); Benign (1). Last evaluated 2026-04-21.

Conditions:
Long QT syndrome (LQTS). Identifiers: MedGen C0023976, MeSH D008133, MONDO:0002442. Disease mechanism: loss of function. Inheritance: Various modes of inheritance.
Long QT syndrome 13 (LQT13). Identifiers: Orphanet 101016, Orphanet 768, MedGen C3150733, MONDO:0013279, OMIM 613485.
Familial hyperaldosteronism type III. Also called: FH III; Familial hyperaldosteronism type 3. Identifiers: Orphanet 251274, MedGen C3838758, MONDO:0013359, OMIM 613677.
Cardiovascular phenotype. Identifiers: MedGen CN230736.

Allele frequency attached by ClinVar (database versions not stated): ExAC 0.00007; TOPMed 0.00016; ESP Exome Variant Server 0.00015; 1000 Genomes Project 30x 0.00016; 1000 Genomes Project 0.00020; gnomAD 0.00009.
gnomAD v4.1: 41 of 1,613,998 alleles (0.0025%); highest among the groups gnomAD compares: African/African-American, 0.035%; no homozygotes.

Submissions (4):

Ambry Genetics
Classification: Benign for Cardiovascular phenotype. Last evaluated: 2026-04-21. Review status: criteria provided, single submitter. Criteria: Ambry Variant Classification Scheme 2023. Collection method: clinical testing. Allele origin: germline.

Labcorp Genetics (formerly Invitae), Labcorp
Classification: Uncertain significance for Long QT syndrome. Last evaluated: 2025-02-17. Review status: criteria provided, single submitter. Criteria: Invitae Variant Classification Sherloc (09022015). Collection method: clinical testing. Allele origin: germline.
Comment: This sequence change replaces proline, which is neutral and non-polar, with arginine, which is basic and polar, at codon 384 of the KCNJ5 protein (p.Pro384Arg). This variant is present in population databases (rs148307402, gnomAD 0.03%). This variant has not been reported in the literature in individuals affected with KCNJ5-related conditions. ClinVar contains an entry for this variant (Variation ID: 869438). Invitae Evidence Modeling of protein sequence and biophysical properties (such as structural, functional, and spatial information, amino acid conservation, physicochemical variation, residue mobility, and thermodynamic stability) indicates that this missense variant is not expected to disrupt KCNJ5 protein function with a negative predictive value of 95%. In summary, the available evidence is currently insufficient to determine the role of this variant in disease. Therefore, it has been classified as a Variant of Uncertain Significance.

Fulgent Genetics
Classification: Uncertain significance for Long QT syndrome 13; Familial hyperaldosteronism type III. Last evaluated: 2024-01-02. Review status: criteria provided, single submitter. Criteria: ACMG Guidelines, 2015. Collection method: clinical testing. Allele origin: germline.

MVZ Martinsried, Medicover Genetics
Classification: Uncertain significance for Long QT syndrome 13. Last evaluated: 2019-09-20. Review status: criteria provided, single submitter. Criteria: ACMG Guidelines, 2015. Collection method: clinical testing. Allele origin: unknown. Affected: yes.

Literature cited by the submitters: PubMed 30847666 (cited by Ambry Genetics).